The following is an entry in ClinVar:

ClinVar aggregate classification (germline): Uncertain significance (1 of 4 stars; one submission).

Conditions:
Long QT syndrome (LQTS). Identifiers: MedGen C0023976, MeSH D008133, MONDO:0002442. Disease mechanism: loss of function. Inheritance: Various modes of inheritance.

Submission:

Labcorp Genetics (formerly Invitae), Labcorp
Classification: Uncertain significance for Long QT syndrome. Last evaluated: 2022-05-20. Review status: criteria provided, single submitter. Criteria: Invitae Variant Classification Sherloc (09022015). Collection method: clinical testing. Allele origin: germline.
Comment: In summary, the available evidence is currently insufficient to determine the role of this variant in disease. Therefore, it has been classified as a Variant of Uncertain Significance. Experimental studies and prediction algorithms are not available or were not evaluated, and the functional significance of this variant is currently unknown. This variant has been observed in individual(s) with clinical features of long QT syndrome (Invitae). This variant is not present in population databases (gnomAD no frequency). This variant, c.2574_2579del, results in the deletion of 2 amino acid(s) of the CACNA1C protein (p.Arg860_Pro861del), but otherwise preserves the integrity of the reading frame.

NM_000719.7(CACNA1C):c.2574_2579del (p.858RP[1])

Gene: CACNA1C (calcium voltage-gated channel subunit alpha1 C; plus strand). Cytogenetic location: 12p13.33.
Variant type: Deletion.
Coding change: c.2574_2579del on transcript NM_000719.7 (MANE Select); coding-DNA positions 2574 to 2579, 6 bases deleted (CCCACG; older notation c.2574_2579delCCCACG).
Protein change: p.858RP[1].
Molecular consequence: inframe deletion.
Genome position (GRCh38, 1-based): chr12:2,593,256-2,593,261, CCCACG deleted; deleting any 6 consecutive bases within chr12:2,593,254-2,593,261 gives the same sequence; the c. name uses the placement nearest the transcript's 3' end. VCF-style (leftmost placement, unchanged base first): chr12-2593253-TCGCCCA-T. GRCh37 (hg19) VCF-style: chr12-2702419-TCGCCCA-T.
Other names: c.2574_2579del, p.858RP[1] (NM_001129827.2, NM_001129829.2, NM_001129830.3 and 18 more transcripts); c.2565_2570del, p.855RP[1] (NM_001129844.2).
Identifiers: ClinVar variation 2132278 (VCV002132278.4), dbSNP rs2516454405, ClinGen allele CA2580085114.